The following is an entry in ClinVar:

NM_004046.6(ATP5F1A):c.1252G>A (p.Gly418Arg)

Gene: ATP5F1A (ATP synthase F1 subunit alpha; minus strand). Cytogenetic location: 18q21.1.
Variant type: single nucleotide variant.
Coding change: c.1252G>A on transcript NM_004046.6 (MANE Select); coding-DNA position 1252, G replaced by A.
Protein change: p.Gly418Arg; replaces glycine 418 with arginine.
Molecular consequence: missense variant.
Genome position (GRCh38, 1-based): chr18:46,086,419, C>T on the plus strand (G>A on the coding strand, the complement: ATP5F1A is on the minus strand). VCF-style: chr18-46086419-C-T. GRCh37 (hg19) VCF-style: chr18-43666385-C-T.
Other names: c.1102G>A, p.Gly368Arg (NM_001001935.3, NM_001257335.2); c.1252G>A, p.Gly418Arg (NM_001001937.2); c.1186G>A, p.Gly396Arg (NM_001257334.2); short protein forms G368R, G396R, G418R.
Identifiers: ClinVar variation 2572074 (VCV002572074.6), dbSNP rs1412572728, ClinGen allele CA402364296.

ClinVar aggregate classification (germline): Likely pathogenic. Review status: criteria provided, multiple submitters, no conflicts (2 of 4 stars). 3 submissions from 3 submitters: Likely pathogenic (2). 1 of the submissions does not count toward it. Last evaluated 2025-08-26.

Conditions:
ATP5F1A-related disorder. Also called: ATP5F1A-related condition.
Mitochondrial complex V (ATP synthase) deficiency, nuclear type 4A (MC5DN4A). Identifiers: MedGen C5830480, MONDO:0957254, OMIM 620358.

Allele frequency attached by ClinVar (database versions not stated): TOPMed below 0.00001.

Submissions (3):

3billion
Classification: Likely pathogenic for ATP5F1A-related disorder. Last evaluated: 2025-08-26. Review status: criteria provided, single submitter. Criteria: ACMG Guidelines, 2015. Collection method: clinical testing. Allele origin: germline. Affected: yes.
Comment: The variant is not observed in the gnomAD v4.1.0 dataset. Predicted Consequence/Location: Missense variant. Missense changes are a common disease-causing mechanism. In silico tool predictions suggest damaging effect of the variant on gene or gene product [REVEL: 0.95 (>=0.6, sensitivity 0.68 and specificity 0.92)]. The same nucleotide change resulting in the same amino acid change has been previously reported as pathogenic/likely pathogenic with strong evidence (ClinVar ID: VCV002572074 /3billion dataset). Therefore, this variant is classified as Likely pathogenic according to the recommendation of ACMG/AMP guideline.

Genomic Medicine Center of Excellence, King Faisal Specialist Hospital and Research Centre
Classification: Likely pathogenic for Mitochondrial complex V (ATP synthase) deficiency, nuclear type 4A. Last evaluated: 2024-03-25. Review status: criteria provided, single submitter. Criteria: ACMG Guidelines, 2015. Collection method: research. Allele origin: germline.

Department of Medical Laboratory, Affiliated Hospital of Southwest Medical University
Classification: Pathogenic for Mitochondrial complex V (ATP synthase) deficiency, nuclear type 4A. Review status: no assertion criteria provided. Collection method: clinical testing. Allele origin: de novo. Affected: yes. Not counted in ClinVar's aggregate classification.